The following is an entry in ClinVar:

ClinVar aggregate classification (germline): Likely pathogenic (1 of 4 stars; one submission).

Submission:

GeneDx
Classification: Likely pathogenic. Last evaluated: 2021-06-21. Review status: criteria provided, single submitter. Criteria: GeneDx Variant Classification Process June 2021. Collection method: clinical testing. Allele origin: germline. Affected: yes.
Comment: Has not been previously published as pathogenic or benign to our knowledge; Not observed at significant frequency in large population cohorts (Lek et al., 2016); Frameshift variant predicted to result in protein truncation or nonsense mediated decay in a gene for which loss-of-function is a known mechanism of disease; This variant is associated with the following publications: (PMID: 27535533)

NM_000238.4(KCNH2):c.2779_2786dup (p.Glu929fs)

Gene: KCNH2 (potassium voltage-gated channel subfamily H member 2; minus strand). Cytogenetic location: 7q36.1.
Variant type: Duplication.
Coding change: c.2779_2786dup on transcript NM_000238.4 (MANE Select); coding-DNA positions 2779 to 2786, 8 bases duplicated (TGGGGGGA; older notation c.2779_2786dupTGGGGGGA).
Protein change: p.Glu929fs; shifts the reading frame from glutamic acid 929.
Molecular consequence: frameshift variant.
Genome position (GRCh38, 1-based): chr7:150,947,785-150,947,792, TCCCCCCA duplicated on the plus strand (TGGGGGGA on the coding strand, the reverse complement: KCNH2 is on the minus strand). VCF-style (leftmost placement, unchanged base first): chr7-150947784-C-CTCCCCCCA. GRCh37 (hg19) VCF-style: chr7-150644872-C-CTCCCCCCA.
Other names: c.2779_2786dupTGGGGGGA (NM_000238.2); c.1759_1766dup, p.Glu589fs (NM_172057.3); short protein forms E589fs, E929fs.
Identifiers: ClinVar variation 817961 (VCV000817961.3), dbSNP rs1584845045, ClinGen allele CA915945570.